The following is an entry in ClinVar:

ClinVar aggregate classification (germline): Conflicting classifications of pathogenicity. Review status: criteria provided, conflicting classifications (1 of 4 stars). 8 submissions from 8 submitters: Pathogenic (3); Uncertain significance (3). 2 of the submissions do not count toward it. Last evaluated 2025-11-18.
ClinVar aggregate classification (oncogenicity): Oncogenic (1 of 4 stars; one submission).

Conditions:
EBV-positive nodal T- and NK-cell lymphoma.
Malignant lymphoma, large B-cell, diffuse. Also called: Diffuse large B cell lymphoma. Identifiers: Orphanet 544, MedGen C0079744, MeSH D016403, MONDO:0018905.
T-LGL Leukemia.
STAT3-related disorder. Also called: STAT3-related condition.
Hyper-IgE recurrent infection syndrome 1, autosomal dominant. Also called: Job's Syndrome; HYPER-IgE SYNDROME 1, AUTOSOMAL DOMINANT, WITH RECURRENT INFECTIONS; Hyper-IgE recurrent infection syndrome 1; STAT3 Hyper IgE Syndrome; JOB SYNDROME. Identifiers: Orphanet 2314, MedGen C2936739, MONDO:0007818, OMIM 147060.
STAT3 gain of function. Identifiers: MedGen C4288261.
Neoplasm. Also called: Neoplasms; Neoplasm (disease); tumor. Identifiers: MedGen C0027651, MeSH D009369, MONDO:0005070, HP:0002664.

Allele frequency attached by ClinVar (database versions not stated): gnomAD exomes below 0.00001; gnomAD 0.00001; ExAC 0.00002.
gnomAD v4.1: 3 of 1,614,036 alleles (0.00019%); highest among the groups gnomAD compares: Non-Finnish European, 0.00025%; no homozygotes.

Submissions (9):

Undiagnosed Diseases Network, NIH
Classification: Pathogenic for T-LGL Leukemia. Last evaluated: 2025-11-18. Review status: criteria provided, single submitter. Criteria: ACMG Guidelines, 2015. Collection method: clinical testing. Allele origin: somatic. Inheritance: Autosomal dominant inheritance. Affected: yes. Observed: 1 variant allele, 1 mosaic individual. Study: Undiagnosed Diseases Network (NIH), UDN.

Labcorp Genetics (formerly Invitae), Labcorp
Classification: Uncertain significance for STAT3 gain of function; Hyper-IgE recurrent infection syndrome 1, autosomal dominant. Last evaluated: 2025-09-08. Review status: criteria provided, single submitter. Criteria: Invitae Variant Classification Sherloc (09022015). Collection method: clinical testing. Allele origin: germline.
Comment: This sequence change replaces tyrosine, which is neutral and polar, with phenylalanine, which is neutral and non-polar, at codon 640 of the STAT3 protein (p.Tyr640Phe). The frequency data for this variant in the population databases is considered unreliable, as metrics indicate poor data quality at this position in the gnomAD database. This missense change has been observed in individual(s) with Evans syndrome as a germline variant. It is also a common somatic variant observed in individuals with T cell large granular lymphocytic leukemia (PMID: 22591296, 30940614). ClinVar contains an entry for this variant (Variation ID: 372521). Invitae Evidence Modeling of protein sequence and biophysical properties (such as structural, functional, and spatial information, amino acid conservation, physicochemical variation, residue mobility, and thermodynamic stability) indicates that this missense variant is not expected to disrupt STAT3 protein function with a negative predictive value of 80%. Experimental studies have shown that this missense change affects STAT3 function (PMID: 22591296, 25873174, 29162862, 29180260, 31771617). In summary, the available evidence is currently insufficient to determine the role of this variant in disease. Therefore, it has been classified as a Variant of Uncertain Significance.

Center for Genomic Medicine, Rigshospitalet, Copenhagen University Hospital
Classification: Oncogenic for Neoplasm. Last evaluated: 2025-03-04. Review status: criteria provided, single submitter. Criteria: ClinGen/CGC/VICC Guidelines for Oncogenicity, 2022. Collection method: clinical testing. Allele origin: somatic. Affected: yes.

PreventionGenetics, part of Exact Sciences
Classification: Uncertain significance for STAT3-related condition. Last evaluated: 2024-11-21. Review status: criteria provided, single submitter. Criteria: ACMG Guidelines, 2015. Collection method: clinical testing. Allele origin: germline.
Comment: The STAT3 c.1919A>T variant is predicted to result in the amino acid substitution p.Tyr640Phe. This variant has been reported in an individual with pediatric Evans syndrome (Hadjadj et al. 2019. PubMed ID: 30940614). This variant has also been identified as a somatic variant in individuals with large granular lymphocytic leukemia, inflammatory hepatocellular adenomas, or lymphocytic variant hypereosinophilic syndrome (Pilati et al. 2011. PubMed ID: 21690253; Koskela et al. 2012. PubMed ID: 22591296; Walker et al. 2016. PubMed ID: 26702067). Multiple functional studies have shown that the p.Tyr640Phe variant leads to enhanced STAT3 activity (Pilati et al. 2011. PubMed ID: 21690253; Koskela et al. 2012. PubMed ID: 22591296; Crescenzo et al. 2015. PubMed ID: 25873174; Bahal et al. 2019. PubMed ID: 31737384). This variant has conflicting interpretations regarding its pathogenicity in ClinVar, ranging from uncertain to pathogenic. This variant is reported in 0.00088% of alleles in individuals of European (Non-Finnish) descent in gnomAD. At this time, the clinical significance of this variant is uncertain due to the absence of conclusive functional and genetic evidence.

Women's Health and Genetics/Laboratory Corporation of America, LabCorp
Classification: Uncertain significance. Last evaluated: 2024-08-22. Review status: criteria provided, single submitter. Criteria: LabCorp Variant Classification Summary - May 2015. Collection method: clinical testing. Allele origin: germline.
Comment: Variant summary: STAT3 c.1919A>T (p.Tyr640Phe) results in a conservative amino acid change located in the Src homology 2 (SH2) domain (IPR000980) of the encoded protein sequence. Three of five in-silico tools predict a benign effect of the variant on protein function. The variant allele was found at a frequency of 1.9e-06 in 1614036 control chromosomes (gnomAD). c.1919A>T has been reported in the literature in individuals affected with features of Autoimmune Disease, Multisystem, Infantile-Onset, 1 (Hadjadj_2019, Leiding_2023). These data indicate that the variant may be associated with disease. The p.Tyr640Phe variant has also been frequently reported as a GoF somatic mutation in individuals affected with lymphoid neoplasms and other cancer phenotypes (see e.g. Pilati_2011, Koskela_2012, Jerez_2012, Jerez_2013, Crescenzo_2015, and in the COSMIC database). Additionally, the variant has been reported in one patient as a somatic variant in a T-lymphocyte subpopulation, which resulted in an aberrant cytokine production by the aberrant T-cell clone with consequential secondary hypereosinophilia; of note, this patient also had a high level of IgE, suggesting that somatic c.1919A>T also may be associated with hyper IgE phenotype (Walker_2016). Multiple functional studies demonstrated that the variant results in a highly increased transcriptional activity of STAT3 even in the absence of IL-6 stimulation, demonstrating that it is a gain-of-function mutation (e.g. Pilati_2011, Koskela_2012, Crescenzo_2015, Bahal_2019, Jagle_2019, Parri_2020, Kasembeli_2023, Brandstoetter_2023). The following publications have been ascertained in the context of this evaluation (PMID: 22591296, 25873174, 21690253, 26702067, 23926297, 22859607, 31737384, 30940614, 32231398, 31770611, 36240433, 36228738, 36630607). ClinVar contains an entry for this variant (Variation ID: 372521). Based on the evidence outlined above, the variant was classified as VUS-possibly pathogenic.

Blueprint Genetics
Classification: Pathogenic for STAT3-related disorders. Last evaluated: 2024-04-22. Review status: criteria provided, single submitter. Criteria: ACMG Guidelines, 2015. Collection method: clinical testing. Allele origin: germline. Affected: yes. Observed: 4 variant alleles.

GeneDx
Classification: Pathogenic. Last evaluated: 2016-10-31. Review status: criteria provided, single submitter. Criteria: GeneDx Variant Classification (06012015). Collection method: clinical testing. Allele origin: germline. Affected: yes.
Comment: The Y640F variant has been observed as a somatic variant in multiple individuals with lymphocytic leukemia (Koskela et al., 2012; Kristensen et al., 2014; Tanahashi et al., 2016). However, it has not been published in association with Hyper-IgE syndrome to our knowledge. The variant was not observed in approximately 6,500 individuals of European and African American ancestry in the NHLBI Exome Sequencing Project, indicating it is not a common benign variant in these populations. Y640F is a non-conservative amino acid substitution, which is likely to impact secondary protein structure as these residues differ in polarity, charge, size and/or other properties. This substitution occurs at a position within the critical SH2 domain that is conserved across species, and in silico analysis predicts this variant is probably damaging to the protein structure/function. Additionally, functional studies have shown that Y640F is a gain-of-function variant that leads to increased cell selection (Koskela et al., 2012; KÃ¼Ã§Ã¼k et al., 2015). Therefore, we consider the variant to be pathogenic.

Department Of Pathology & Laboratory Medicine, University Of Pennsylvania
Classification: Pathogenic for Malignant lymphoma, large B-cell, diffuse. Last evaluated: 2023-12-04. Review status: no assertion criteria provided. Collection method: clinical testing. Allele origin: somatic. Affected: yes. Observed: 1 variant allele. Not counted in ClinVar's aggregate classification.
Comment: Pre-therapy specimen.

Department of Clinical Pathology, School of Medicine, Fujita Health University
Classification: Pathogenic for EBV-positive nodal T- and NK-cell lymphoma. Review status: no assertion criteria provided. Collection method: research. Allele origin: somatic. Affected: yes. Not counted in ClinVar's aggregate classification.

Literature cited by the submitters: PubMed 22591296 (cited by 3 submitters); PubMed 30940614 (cited by Labcorp Genetics (formerly Invitae), Labcorp and Women's Health and Genetics/Laboratory Corporation of America, LabCorp); PubMed 25873174 (cited by Labcorp Genetics (formerly Invitae), Labcorp and Women's Health and Genetics/Laboratory Corporation of America, LabCorp); PubMed 29162862 (cited by Labcorp Genetics (formerly Invitae), Labcorp); PubMed 29180260 (cited by Labcorp Genetics (formerly Invitae), Labcorp); PubMed 31771617 (cited by Labcorp Genetics (formerly Invitae), Labcorp); PubMed 21690253 (cited by Women's Health and Genetics/Laboratory Corporation of America, LabCorp); PubMed 26702067 (cited by Women's Health and Genetics/Laboratory Corporation of America, LabCorp); PubMed 23926297 (cited by Women's Health and Genetics/Laboratory Corporation of America, LabCorp); PubMed 22859607 (cited by Women's Health and Genetics/Laboratory Corporation of America, LabCorp); PubMed 31737384 (cited by Women's Health and Genetics/Laboratory Corporation of America, LabCorp); PubMed 32231398 (cited by Women's Health and Genetics/Laboratory Corporation of America, LabCorp); PubMed 31770611 (cited by Women's Health and Genetics/Laboratory Corporation of America, LabCorp); PubMed 36240433 (cited by Women's Health and Genetics/Laboratory Corporation of America, LabCorp); PubMed 36630607 (cited by Women's Health and Genetics/Laboratory Corporation of America, LabCorp); PubMed 36228738 (cited by Women's Health and Genetics/Laboratory Corporation of America, LabCorp).

NM_139276.3(STAT3):c.1919A>T (p.Tyr640Phe)

Gene: STAT3 (signal transducer and activator of transcription 3; minus strand). Cytogenetic location: 17q21.2.
Variant type: single nucleotide variant.
Coding change: c.1919A>T on transcript NM_139276.3 (MANE Select); coding-DNA position 1919, A replaced by T.
Protein change: p.Tyr640Phe; replaces tyrosine 640 with phenylalanine.
Molecular consequence: missense variant.
Genome position (GRCh38, 1-based): chr17:42,322,464, T>A on the plus strand (A>T on the coding strand, the complement: STAT3 is on the minus strand). VCF-style: chr17-42322464-T-A. GRCh37 (hg19) VCF-style: chr17-40474482-T-A.
Other names: p.Y640F; c.1919A>T, p.Tyr640Phe (NM_001369512.1, NM_001369513.1, NM_001369514.1 and 9 more transcripts); c.1835A>T, p.Tyr612Phe (NM_001384984.1); c.1841A>T, p.Tyr614Phe (NM_001384985.1); c.1934A>T, p.Tyr645Phe (NM_001384986.1, NM_001384990.1); c.1898A>T, p.Tyr633Phe (NM_001384987.1); c.1823A>T, p.Tyr608Phe (NM_001384989.1); c.1892A>T, p.Tyr631Phe (NM_001384991.1); and 1 more; short protein forms Y640F, Y608F, Y612F, Y614F, Y620F, Y631F, Y633F, Y645F.
Identifiers: ClinVar variation 372521 (VCV000372521.24), dbSNP rs769031989, ClinGen allele CA8575185.